The following is an entry in ClinVar:

NM_001122630.2(CDKN1C):c.56G>C (p.Cys19Ser)

Gene: CDKN1C (cyclin dependent kinase inhibitor 1C; minus strand). Cytogenetic location: 11p15.4.
Variant type: single nucleotide variant.
Coding change: c.56G>C on transcript NM_001122630.2 (MANE Select); coding-DNA position 56, G replaced by C.
Protein change: p.Cys19Ser; replaces cysteine 19 with serine.
Molecular consequence: missense variant.
Genome position (GRCh38, 1-based): chr11:2,885,401, C>G on the plus strand (G>C on the coding strand, the complement: CDKN1C is on the minus strand). VCF-style: chr11-2885401-C-G. GRCh37 (hg19) VCF-style: chr11-2906631-C-G.
Other names: c.89G>C, p.Cys30Ser (NM_000076.2, NM_001362474.2); c.56G>C, p.Cys19Ser (NM_001122631.2, NM_001362475.2); short protein forms C19S, C30S.
Identifiers: ClinVar variation 1379995 (VCV001379995.6), dbSNP rs2133786452, ClinGen allele CA379147819.

ClinVar aggregate classification (germline): Uncertain significance (1 of 4 stars; one submission).

Conditions:
Beckwith-Wiedemann syndrome (BWS). Also called: Exomphalos macroglossia gigantism syndrome; EMG SYNDROME. Identifiers: Orphanet 116, MedGen C0004903, MONDO:0007534, OMIM 130650.

gnomAD v4.1: 6 of 1,558,470 alleles (0.00038%); highest among the groups gnomAD compares: Non-Finnish European, 0.00035%; no homozygotes.

Submission:

Labcorp Genetics (formerly Invitae), Labcorp
Classification: Uncertain significance for Beckwith-Wiedemann syndrome. Last evaluated: 2025-07-05. Review status: criteria provided, single submitter. Criteria: Invitae Variant Classification Sherloc (09022015). Collection method: clinical testing. Allele origin: germline.
Comment: This sequence change replaces cysteine, which is neutral and slightly polar, with serine, which is neutral and polar, at codon 30 of the CDKN1C protein (p.Cys30Ser). This variant is not present in population databases (gnomAD no frequency). This variant has not been reported in the literature in individuals affected with CDKN1C-related conditions. ClinVar contains an entry for this variant (Variation ID: 1379995). Invitae Evidence Modeling of protein sequence and biophysical properties (such as structural, functional, and spatial information, amino acid conservation, physicochemical variation, residue mobility, and thermodynamic stability) has been performed for this missense variant. However, the output from this modeling did not meet the statistical confidence thresholds required to predict the impact of this variant on CDKN1C protein function. In summary, the available evidence is currently insufficient to determine the role of this variant in disease. Therefore, it has been classified as a Variant of Uncertain Significance.